The following is an entry in ClinVar:

ClinVar aggregate classification (germline): Uncertain significance (1 of 4 stars; one submission).

Submission:

GeneDx
Classification: Uncertain significance. Last evaluated: 2024-10-10. Review status: criteria provided, single submitter. Criteria: GeneDx Variant Classification Process June 2021. Collection method: clinical testing. Allele origin: germline. Affected: yes.
Comment: Not observed at significant frequency in large population cohorts (gnomAD); In silico analysis indicates that this missense variant does not alter protein structure/function; Has not been previously published as pathogenic or benign to our knowledge

NM_031407.7(HUWE1):c.10088G>A (p.Ser3363Asn)

Gene: HUWE1 (HECT, UBA and WWE domain containing E3 ubiquitin protein ligase 1; minus strand). Cytogenetic location: Xp11.22.
Variant type: single nucleotide variant.
Coding change: c.10088G>A on transcript NM_031407.7 (MANE Select); coding-DNA position 10088, G replaced by A.
Protein change: p.Ser3363Asn; replaces serine 3363 with asparagine.
Molecular consequence: missense variant.
Genome position (GRCh38, 1-based): chrX:53,548,221, C>T on the plus strand (G>A on the coding strand, the complement: HUWE1 is on the minus strand). VCF-style: chrX-53548221-C-T. GRCh37 (hg19) VCF-style: chrX-53575182-C-T.
Other names: short protein forms S3363N.
Identifiers: ClinVar variation 3777488 (VCV003777488.1).
Genomic context (GRCh38, chrX:53,548,221, plus strand): 5'-CCACTGCTGGAGGACTGTGAGGAGCATGGGCTACAGGCCTTATTGCCCCTTTCCCGATCA[C>T]TCTCACAGTTTGTTTCTTTGGTCCGCTGCTGTGTGAAGTGGCTGGGAAATACCTGCCGGG-3'
Protein context (NP_113584.3, residues 3353-3373): QQRTKETNCE[Ser3363Asn]DRERGNKACS